The following is an entry in ClinVar:

ClinVar aggregate classification (germline): Conflicting classifications of pathogenicity. Review status: criteria provided, conflicting classifications (1 of 4 stars). 2 submissions from 2 submitters: Pathogenic (1); Uncertain significance (1). Last evaluated 2025-08-10.

Conditions:
Familial hemophagocytic lymphohistiocytosis 2 (FHL2). Also called: PRF1-Related Familial Hemophagocytic Lymphohistiocytosis (PRF1-fHLH). Identifiers: Orphanet 540, MedGen C1863727, MONDO:0011337, OMIM 603553.

Allele frequency attached by ClinVar (database versions not stated): gnomAD exomes 0.00001 and 0.00002; ExAC 0.00002; TOPMed 0.00003; ESP Exome Variant Server 0.00008.

Submissions (2):

Labcorp Genetics (formerly Invitae), Labcorp
Classification: Pathogenic for Familial hemophagocytic lymphohistiocytosis 2. Last evaluated: 2025-08-10. Review status: criteria provided, single submitter. Criteria: Invitae Variant Classification Sherloc (09022015). Collection method: clinical testing. Allele origin: germline.
Comment: This sequence change replaces glutamine, which is neutral and polar, with proline, which is neutral and non-polar, at codon 209 of the PRF1 protein (p.Gln209Pro). This variant is present in population databases (rs146414576, gnomAD 0.007%). This missense change has been observed in individual(s) with hemophagocytic lymphohistiocytosis (PMID: 26450956, 32542393; internal data). In at least one individual the data is consistent with being in trans (on the opposite chromosome) from a pathogenic variant. ClinVar contains an entry for this variant (Variation ID: 666080). Invitae Evidence Modeling of protein sequence and biophysical properties (such as structural, functional, and spatial information, amino acid conservation, physicochemical variation, residue mobility, and thermodynamic stability) indicates that this missense variant is expected to disrupt PRF1 protein function with a positive predictive value of 95%. For these reasons, this variant has been classified as Pathogenic.

GeneDx
Classification: Uncertain significance. Last evaluated: 2023-09-05. Review status: criteria provided, single submitter. Criteria: GeneDx Variant Classification Process June 2021. Collection method: clinical testing. Allele origin: germline. Affected: yes.
Comment: Observed with a pathogenic variant in unrelated patients with familial hemophagocytic lymphohistiocytosis in the published literature, but it is not known whether the variants occurred on the same (in cis) or on different (in trans) chromosomes (Abdalgani et al., 2015); In silico analysis supports that this missense variant does not alter protein structure/function; This variant is associated with the following publications: (PMID: 26450956, 32542393)

Literature cited by the submitters: PubMed 26450956 (cited by Labcorp Genetics (formerly Invitae), Labcorp); PubMed 32542393 (cited by Labcorp Genetics (formerly Invitae), Labcorp).

NM_001083116.3(PRF1):c.626A>C (p.Gln209Pro)

Gene: PRF1 (perforin 1; minus strand). Cytogenetic location: 10q22.1.
Variant type: single nucleotide variant.
Coding change: c.626A>C on transcript NM_001083116.3 (MANE Select); coding-DNA position 626, A replaced by C.
Protein change: p.Gln209Pro; replaces glutamine 209 with proline.
Molecular consequence: missense variant.
Genome position (GRCh38, 1-based): chr10:70,599,095, T>G on the plus strand (A>C on the coding strand, the complement: PRF1 is on the minus strand). VCF-style: chr10-70599095-T-G. GRCh37 (hg19) VCF-style: chr10-72358851-T-G.
Other names: c.626A>C, p.Gln209Pro (NM_005041.6); short protein forms Q209P.
Identifiers: ClinVar variation 666080 (VCV000666080.9), dbSNP rs146414576, ClinGen allele CA5538958.
Genomic context (GRCh38, chr10:70,599,095, plus strand): 5'-AGCTCCACAGCCCGGATGAAGTGGGTGCCGTAGTTGGAGATAAGCCTGAGGTAGGCGGGC[T>G]GGGTGGAGGCGTTGAAGTGGTGGGGCAGGTCCCCGAGGGCCCTCTTGAAGTCAGGGTGCA-3'
Protein context (NP_001076585.1, residues 199-219): DLPHHFNAST[Gln209Pro]PAYLRLISNY